The following is an entry in ClinVar:

NM_000238.4(KCNH2):c.2639G>A (p.Gly880Asp)

Gene: KCNH2 (potassium voltage-gated channel subfamily H member 2; minus strand). Cytogenetic location: 7q36.1.
Variant type: single nucleotide variant.
Coding change: c.2639G>A on transcript NM_000238.4 (MANE Select); coding-DNA position 2639, G replaced by A.
Protein change: p.Gly880Asp; replaces glycine 880 with aspartic acid.
Molecular consequence: missense variant.
Genome position (GRCh38, 1-based): chr7:150,948,497, C>T on the plus strand (G>A on the coding strand, the complement: KCNH2 is on the minus strand). VCF-style: chr7-150948497-C-T. GRCh37 (hg19) VCF-style: chr7-150645585-C-T.
Other names: c.2351G>A, p.Gly784Asp (NM_001406753.1); c.1619G>A, p.Gly540Asp (NM_172057.3); short protein forms G540D, G784D, G880D.
Identifiers: ClinVar variation 1715690 (VCV001715690.5), dbSNP rs1801009020, ClinGen allele CA369853775.

ClinVar aggregate classification (germline): Uncertain significance (1 of 4 stars; one submission).

Conditions:
Long QT syndrome (LQTS). Identifiers: MedGen C0023976, MeSH D008133, MONDO:0002442. Disease mechanism: loss of function. Inheritance: Various modes of inheritance.

Allele frequency attached by ClinVar (database versions not stated): TOPMed below 0.00001; gnomAD exomes below 0.00001.
gnomAD v4.1: 1 of 1,612,926 alleles (0.000062%); highest among the groups gnomAD compares: Non-Finnish European, 0.000085%; no homozygotes.

Submission:

Labcorp Genetics (formerly Invitae), Labcorp
Classification: Uncertain significance for Long QT syndrome. Last evaluated: 2022-08-08. Review status: criteria provided, single submitter. Criteria: Invitae Variant Classification Sherloc (09022015). Collection method: clinical testing. Allele origin: germline.
Comment: In summary, the available evidence is currently insufficient to determine the role of this variant in disease. Therefore, it has been classified as a Variant of Uncertain Significance. Algorithms developed to predict the effect of missense changes on protein structure and function are either unavailable or do not agree on the potential impact of this missense change (SIFT: "Deleterious"; PolyPhen-2: "Possibly Damaging"; Align-GVGD: "Class C0"). This variant has not been reported in the literature in individuals affected with KCNH2-related conditions. This variant is not present in population databases (gnomAD no frequency). This sequence change replaces glycine, which is neutral and non-polar, with aspartic acid, which is acidic and polar, at codon 880 of the KCNH2 protein (p.Gly880Asp).